The following is an entry in ClinVar:

ClinVar aggregate classification (germline): Uncertain significance (1 of 4 stars; one submission).

Conditions:
Aneurysm-osteoarthritis syndrome. Also called: ANEURYSMS-OSTEOARTHRITIS SYNDROME; LOEYS-DIETZ SYNDROME WITH OSTEOARTHRITIS; Loeys-Dietz syndrome, type 1C; SMAD3-Related Loeys-Dietz Syndrome. Identifiers: Orphanet 284984, MedGen C3151087, MONDO:0013426, OMIM 613795.

Submission:

MVZ Medizinische Genetik Mainz
Classification: Uncertain significance for Aneurysm-osteoarthritis syndrome. Last evaluated: 2025-09-01. Review status: criteria provided, single submitter. Criteria: UK Practice Guidelines For Variant Classification V4 01 2020. Collection method: clinical testing. Allele origin: germline. Inheritance: Autosomal dominant inheritance. Affected: yes. Observed: 1 variant allele.
Comment: ACMG Criteria: PM5,PM2_SUP

NM_005902.4(SMAD3):c.334G>T (p.Ala112Ser)

Gene: SMAD3 (SMAD family member 3; plus strand). Cytogenetic location: 15q22.33.
Variant type: single nucleotide variant.
Coding change: c.334G>T on transcript NM_005902.4 (MANE Select); coding-DNA position 334, G replaced by T.
Protein change: p.Ala112Ser; replaces alanine 112 with serine.
Molecular consequence: missense variant.
Genome position (GRCh38, 1-based): chr15:67,165,022, G>T. VCF-style: chr15-67165022-G-T. GRCh37 (hg19) VCF-style: chr15-67457360-G-T.
Other names: c.19G>T, p.Ala7Ser (NM_001145102.2, NM_001407015.1, NM_001407016.1); c.202G>T, p.Ala68Ser (NM_001145103.2); c.334G>T, p.Ala112Ser (NM_001407011.1, NM_001407012.1, NM_001407013.1); c.187G>T, p.Ala63Ser (NM_001407014.1); short protein forms A112S, A63S, A68S, A7S.
Identifiers: ClinVar variation 4277255 (VCV004277255.1).